The following is an entry in ClinVar:

ClinVar aggregate classification (germline): Pathogenic (1 of 4 stars; one submission).

Conditions:
Transcobalamin I deficiency (TCN1D). Also called: COBALAMIN PSEUDODEFICIENCY DUE TO TRANSCOBALAMIN DEFICIENCY; COBALAMIN R BINDER PROTEIN DEFICIENCY; TCN1 DEFICIENCY. Identifiers: Orphanet 2967, MedGen C0342700, MONDO:0008659, OMIM 193090.

Submission:

Labcorp Genetics (formerly Invitae), Labcorp
Classification: Pathogenic for Transcobalamin I deficiency. Last evaluated: 2025-08-02. Review status: criteria provided, single submitter. Criteria: Invitae Variant Classification Sherloc (09022015). Collection method: clinical testing. Allele origin: germline.
Comment: This sequence change creates a premature translational stop signal (p.Cys23*) in the TCN1 gene. It is expected to result in an absent or disrupted protein product. Loss-of-function variants in TCN1 are known to be pathogenic (PMID: 19686235). This variant is present in population databases (rs749820775, gnomAD 0.03%). This variant has not been reported in the literature in individuals affected with TCN1-related conditions. ClinVar contains an entry for this variant (Variation ID: 1459208). For these reasons, this variant has been classified as Pathogenic.

Literature cited by the submitters: PubMed 19686235.

NM_001062.4(TCN1):c.69C>A (p.Cys23Ter)

Gene: TCN1 (transcobalamin 1; minus strand). Cytogenetic location: 11q12.1.
Variant type: single nucleotide variant.
Coding change: c.69C>A on transcript NM_001062.4 (MANE Select); coding-DNA position 69, C replaced by A.
Protein change: p.Cys23Ter; replaces cysteine 23 with a stop codon.
Molecular consequence: nonsense.
Genome position (GRCh38, 1-based): chr11:59,866,402, G>T on the plus strand (C>A on the coding strand, the complement: TCN1 is on the minus strand). VCF-style: chr11-59866402-G-T. GRCh37 (hg19) VCF-style: chr11-59633875-G-T.
Other names: short protein forms C23*.
Identifiers: ClinVar variation 1459208 (VCV001459208.6), dbSNP rs749820775, ClinGen allele CA6022144.
Genomic context (GRCh38, chr11:59,866,402, plus strand): 5'-TTTTCAGTAGACTATCACTCTAGAGTAATTTTAGCTCAAAGTTTACTCACCACAAATCTC[G>T]CATAGTTGGCTTGGAATAAAAGAAAACAGTAAGAGCCCCACTAGGGGCAGCTGGTGTGAC-3'